The following is an entry in ClinVar:

ClinVar aggregate classification (germline): Uncertain significance (1 of 4 stars; one submission).

gnomAD v4.1: 1 of 1,521,604 alleles (0.000066%); no homozygotes.

Submission:

GeneDx
Classification: Uncertain significance. Last evaluated: 2019-11-12. Review status: criteria provided, single submitter. Criteria: GeneDx Variant Classification Process June 2021. Collection method: clinical testing. Allele origin: germline. Affected: yes.
Comment: Not observed in large population cohorts (Lek et al., 2016); In silico analysis, which includes protein predictors and evolutionary conservation, supports a deleterious effect; Has not been previously published as pathogenic or benign to our knowledge

NM_025114.4(CEP290):c.467A>G (p.Glu156Gly)

Gene: CEP290 (centrosomal protein 290; minus strand). Cytogenetic location: 12q21.32.
Variant type: single nucleotide variant.
Coding change: c.467A>G on transcript NM_025114.4 (MANE Select); coding-DNA position 467, A replaced by G.
Protein change: p.Glu156Gly; replaces glutamic acid 156 with glycine.
Molecular consequence: missense variant.
Genome position (GRCh38, 1-based): chr12:88,131,193, T>C on the plus strand (A>G on the coding strand, the complement: CEP290 is on the minus strand). VCF-style: chr12-88131193-T-C. GRCh37 (hg19) VCF-style: chr12-88524970-T-C.
Other names: short protein forms E156G.
Identifiers: ClinVar variation 1310370 (VCV001310370.2), dbSNP rs2138113947, ClinGen allele CA385986643.
Genomic context (GRCh38, chr12:88,131,193, plus strand): 5'-GTTGAACCACCACAACTACTAAAATTTTTTACCTCTCTTCTTAATTTGCTGTTTTCATTT[T>C]CTGCCTCCTCATTTCGAAGAGCCAACTAAAATAGTAAAAAAAAAAAATAAATAAGAAGAA-3'
Protein context (NP_079390.3, residues 146-166): EQLALRNEEA[Glu156Gly]NENSKLRREN